The following is an entry in ClinVar:

NM_000264.5(PTCH1):c.745del (p.Leu248_Leu249insTer)

Gene: PTCH1 (patched 1; minus strand). Cytogenetic location: 9q22.32.
Variant type: Deletion.
Coding change: c.745del on transcript NM_000264.5 (MANE Select); coding-DNA position 745, one base deleted (C; older notation c.745delC).
Protein change: p.Leu248_Leu249insTer.
Molecular consequence: nonsense. On other transcripts: frameshift variant (2), non-coding transcript variant (1).
Genome position (GRCh38, 1-based): chr9:95,481,950, G deleted on the plus strand (C on the coding strand, the reverse complement: PTCH1 is on the minus strand); the first of 2 consecutive G bases (chr9:95,481,950-95,481,951); deleting either gives the same sequence. VCF-style (leftmost placement, unchanged base first): chr9-95481949-AG-A. GRCh37 (hg19) VCF-style: chr9-98244231-AG-A.
Other names: c.547del, p.Leu182_Leu183insTer (NM_001083602.3); c.742del, p.Leu247_Leu248insTer (NM_001083603.3); c.292del, p.Leu97_Leu98insTer (NM_001083604.3, NM_001083605.3, NM_001083606.3 and 1 more transcripts); c.745del, p.Leu248_Leu249insTer (NM_001354918.2); c.547del, p.Leu183fs (NM_001354919.2); c.745delC (NM_000264.3); short protein forms L183fs.
Identifiers: ClinVar variation 3030551 (VCV003030551.2), dbSNP rs2538244369, ClinGen allele CA2740095533.

ClinVar aggregate classification (germline): Pathogenic (0 of 4 stars; one submission).

Conditions:
PTCH1-related disorder. Also called: PTCH1-related disorders; PTCH1-related condition.

Submission:

PreventionGenetics, part of Exact Sciences
Classification: Pathogenic for PTCH1-related condition. Last evaluated: 2023-10-20. Review status: no assertion criteria provided. Collection method: clinical testing. Allele origin: germline.
Comment: The PTCH1 c.745delC variant is predicted to result in premature protein termination (p.Leu249*). To our knowledge, this variant has not been reported in the literature or in a large population database, indicating this variant is rare. Nonsense variants in PTCH1 are expected to be pathogenic. This variant is interpreted as pathogenic.